The following is an entry in ClinVar:

NM_153704.6(TMEM67):c.1373dup (p.Pro459fs)

Gene: TMEM67 (transmembrane protein 67; plus strand). Cytogenetic location: 8q22.1.
Variant type: Duplication.
Coding change: c.1373dup on transcript NM_153704.6 (MANE Select); coding-DNA position 1373, one base duplicated (A; older notation c.1373dupA).
Protein change: p.Pro459fs; shifts the reading frame from proline 459.
Molecular consequence: frameshift variant. On other transcripts: non-coding transcript variant (1).
Genome position (GRCh38, 1-based): chr8:93,786,307, A duplicated. VCF-style (leftmost placement, unchanged base first): chr8-93786306-C-CA. GRCh37 (hg19) VCF-style: chr8-94798534-C-CA.
Other names: c.1130dup, p.Pro378fs (NM_001142301.1); c.1373dupA (NM_153704.5); short protein forms P378fs, P459fs.
Identifiers: ClinVar variation 643113 (VCV000643113.7), dbSNP rs1586051330, ClinGen allele CA915948836.
Genomic context (GRCh38, chr8:93,786,306, plus strand): 5'-CTAACTCGGCGCATTTTCTTAGTGGATGCAGTAAGTGGACGAGAAAATGACTTAGGAACT[C>CA]AGCCAAGAGTAATTCGAGTTGCTACTCAAATATCACTGAGGTAAACAAATGTCTAATGAT-3'

ClinVar aggregate classification (germline): Pathogenic (1 of 4 stars; one submission).

Conditions:
Meckel-Gruber syndrome. Also called: Dysencephalia splachnocystica; DYSENCEPHALIA SPLANCHNOCYSTICA; GRUBER SYNDROME. Identifiers: Orphanet 564, MedGen C0265215, MONDO:0018921.
Joubert syndrome. Also called: Familial aplasia of the vermis; CEREBELLOPARENCHYMAL DISORDER IV; JOUBERT-BOLTSHAUSER SYNDROME. Identifiers: Orphanet 475, MedGen C5979921, MONDO:0018772.

Allele frequency attached by ClinVar (database versions not stated): gnomAD exomes below 0.00001.

Submission:

Labcorp Genetics (formerly Invitae), Labcorp
Classification: Pathogenic for Joubert syndrome; Meckel-Gruber syndrome. Last evaluated: 2025-03-13. Review status: criteria provided, single submitter. Criteria: Invitae Variant Classification Sherloc (09022015). Collection method: clinical testing. Allele origin: germline.
Comment: This sequence change creates a premature translational stop signal (p.Pro459Alafs*36) in the TMEM67 gene. It is expected to result in an absent or disrupted protein product. Loss-of-function variants in TMEM67 are known to be pathogenic (PMID: 20232449, 23559409). This variant is not present in population databases (gnomAD no frequency). This variant has not been reported in the literature in individuals affected with TMEM67-related conditions. ClinVar contains an entry for this variant (Variation ID: 643113). For these reasons, this variant has been classified as Pathogenic.

Literature cited by the submitters: PubMed 20232449; PubMed 23559409.